The following is an entry in ClinVar:

ClinVar aggregate classification (germline): Benign/Likely benign. Review status: criteria provided, multiple submitters, no conflicts (2 of 4 stars). 5 submissions from 5 submitters: Benign (2); Likely benign (3). Last evaluated 2026-03-01.

Conditions:
Retinitis pigmentosa 71 (RP71). Identifiers: Orphanet 791, MedGen C4225342, MONDO:0014618, OMIM 616394.
Short-rib thoracic dysplasia 10 with or without polydactyly (SRTD10). Identifiers: Orphanet 474, MedGen C3810175, MONDO:0014284, OMIM 615630.
Inborn genetic diseases. Identifiers: MedGen C0950123, MeSH D030342.

Allele frequency attached by ClinVar (database versions not stated): gnomAD exomes 0.00026 and 0.00071; ExAC 0.00086; 1000 Genomes Project 0.00260; gnomAD 0.00290 and 0.00319; 1000 Genomes Project 30x 0.00297; TOPMed 0.00318; ESP Exome Variant Server 0.00354.
gnomAD v4.1: 841 of 1,614,140 alleles (0.052%); highest among the groups gnomAD compares: African/African-American, 0.99%; 5 homozygotes.

Submissions (5):

CeGaT Center for Human Genetics Tuebingen
Classification: Likely benign. Last evaluated: 2026-03-01. Review status: criteria provided, single submitter. Criteria: CeGaT Center For Human Genetics Tuebingen Variant Classification Criteria Version 2. Collection method: clinical testing. Allele origin: germline. Affected: yes. Observed: 1 variant allele.
Comment: IFT172: BS2

Labcorp Genetics (formerly Invitae), Labcorp
Classification: Benign for Retinitis pigmentosa 71; Short-rib thoracic dysplasia 10 with or without polydactyly. Last evaluated: 2026-01-21. Review status: criteria provided, single submitter. Criteria: Invitae Variant Classification Sherloc (09022015). Collection method: clinical testing. Allele origin: germline.

Ambry Genetics
Classification: Likely benign for Inborn genetic diseases. Last evaluated: 2021-10-29. Review status: criteria provided, single submitter. Criteria: Ambry Variant Classification Scheme 2023. Collection method: clinical testing. Allele origin: germline.

Genetic Services Laboratory, University of Chicago
Classification: Likely benign. Last evaluated: 2021-07-16. Review status: criteria provided, single submitter. Criteria: ACMG Guidelines, 2015. Collection method: clinical testing. Allele origin: germline. Affected: no.

GeneDx
Classification: Benign. Last evaluated: 2018-08-30. Review status: criteria provided, single submitter. Criteria: GeneDx Variant Classification Process June 2021. Collection method: clinical testing. Allele origin: germline. Affected: yes.

NM_015662.3(IFT172):c.3610G>C (p.Val1204Leu)

Genes: IFT172 (intraflagellar transport 172; minus strand), LOC126806173 (BRD4-independent group 4 enhancer GRCh37_chr2:27676057-27677256; plus strand). Cytogenetic location: 2p23.3.
Variant type: single nucleotide variant.
Coding change: c.3610G>C on transcript NM_015662.3 (MANE Select); coding-DNA position 3610, G replaced by C.
Protein change: p.Val1204Leu; replaces valine 1204 with leucine.
Molecular consequence: missense variant.
Genome position (GRCh38, 1-based): chr2:27,454,083, C>G on the plus strand (G>C on the coding strand, the complement: IFT172 is on the minus strand). VCF-style: chr2-27454083-C-G. GRCh37 (hg19) VCF-style: chr2-27676950-C-G.
Other names: c.3610G>C (NM_015662.1); short protein forms V1204L.
Identifiers: ClinVar variation 707217 (VCV000707217.22), dbSNP rs7580439, ClinGen allele CA1579920.